The following is an entry in ClinVar:

ClinVar aggregate classification (germline): Uncertain significance (1 of 4 stars; one submission).

gnomAD v4.1: 2 of 1,614,176 alleles (0.00012%); highest among the groups gnomAD compares: South Asian, 0.0011%; no homozygotes.

Submission:

Labcorp Genetics (formerly Invitae), Labcorp
Classification: Uncertain significance. Last evaluated: 2025-02-17. Review status: criteria provided, single submitter. Criteria: Invitae Variant Classification Sherloc (09022015). Collection method: clinical testing. Allele origin: germline.
Comment: This sequence change replaces glutamine, which is neutral and polar, with glutamic acid, which is acidic and polar, at codon 807 of the FN1 protein (p.Gln807Glu). This variant is present in population databases (no rsID available, gnomAD 0.003%). This variant has not been reported in the literature in individuals affected with FN1-related conditions. An algorithm developed to predict the effect of missense changes on protein structure and function (PolyPhen-2) suggests that this variant is likely to be disruptive. In summary, the available evidence is currently insufficient to determine the role of this variant in disease. Therefore, it has been classified as a Variant of Uncertain Significance.

NM_212482.4(FN1):c.2419C>G (p.Gln807Glu)

Gene: FN1 (fibronectin 1; minus strand). Cytogenetic location: 2q35.
Variant type: single nucleotide variant.
Coding change: c.2419C>G on transcript NM_212482.4 (MANE Select); coding-DNA position 2419, C replaced by G.
Protein change: p.Gln807Glu; replaces glutamine 807 with glutamic acid.
Molecular consequence: missense variant.
Genome position (GRCh38, 1-based): chr2:215,408,307, G>C on the plus strand (C>G on the coding strand, the complement: FN1 is on the minus strand). VCF-style: chr2-215408307-G-C. GRCh37 (hg19) VCF-style: chr2-216273030-G-C.
Other names: c.2419C>G, p.Gln807Glu (NM_001306129.2, NM_001306130.2, NM_001306131.2 and 13 more transcripts); short protein forms Q807E.
Identifiers: ClinVar variation 4763078 (VCV004763078.1).